The following is an entry in ClinVar:

NM_001042492.3(NF1):c.4020T>C (p.Leu1340=)

Gene: NF1 (neurofibromin 1; plus strand). Cytogenetic location: 17q11.2.
Variant type: single nucleotide variant.
Coding change: c.4020T>C on transcript NM_001042492.3 (MANE Select); coding-DNA position 4020, T replaced by C.
Protein change: p.Leu1340=; no amino-acid change (leucine 1340 retained).
Molecular consequence: synonymous variant.
Genome position (GRCh38, 1-based): chr17:31,249,029, T>C. VCF-style: chr17-31249029-T-C. GRCh37 (hg19) VCF-style: chr17-29576047-T-C.
Other names: c.4020T>C, p.Leu1340= (NM_000267.4).
Identifiers: ClinVar variation 215714 (VCV000215714.14), dbSNP rs863224354, ClinGen allele CA337639.

ClinVar aggregate classification (germline): Benign/Likely benign. Review status: criteria provided, multiple submitters, no conflicts (2 of 4 stars). 4 submissions from 4 submitters: Benign (1); Likely benign (3). Last evaluated 2026-05-19.

Conditions:
Hereditary cancer-predisposing syndrome. Also called: Tumor predisposition; Hereditary neoplastic syndrome; Neoplastic Syndromes, Hereditary; Hereditary Cancer Syndrome. Identifiers: Orphanet 140162, MedGen C0027672, MeSH D009386, MONDO:0015356.
Neurofibromatosis, type 1 (NF1). Also called: Neurofibromatosis, type I; NEUROFIBROMATOSIS, TYPE I, SOMATIC; VON RECKLINGHAUSEN DISEASE; Peripheral type neurofibromatosis. Identifiers: Orphanet 636, MedGen C0027831, MONDO:0018975, OMIM 162200. Disease mechanism: loss of function.

gnomAD v4.1: 18 of 1,614,114 alleles (0.0011%); highest among the groups gnomAD compares: Non-Finnish European, 0.0015%; no homozygotes.

Submissions (4):

Myriad Genetics, Inc.
Classification: Benign for Neurofibromatosis, type 1. Last evaluated: 2026-05-19. Review status: criteria provided, single submitter. Criteria: Myriad Autosomal Dominant, Autosomal Recessive and X-Linked Classification Criteria (2023). Collection method: clinical testing. Allele origin: unknown.
Comment: This variant is considered benign. This variant is a silent/synonymous amino acid change and it is not expected to impact splicing.

Labcorp Genetics (formerly Invitae), Labcorp
Classification: Likely benign for Neurofibromatosis, type 1. Last evaluated: 2025-02-10. Review status: criteria provided, single submitter. Criteria: Invitae Variant Classification Sherloc (09022015). Collection method: clinical testing. Allele origin: germline.

Genome-Nilou Lab
Classification: Likely benign for Neurofibromatosis, type 1. Last evaluated: 2022-03-15. Review status: criteria provided, single submitter. Criteria: ACMG Guidelines, 2015. Collection method: clinical testing. Allele origin: germline. Affected: no.

Ambry Genetics
Classification: Likely benign for Hereditary cancer-predisposing syndrome. Last evaluated: 2015-02-16. Review status: criteria provided, single submitter. Criteria: Ambry Autosomal Dominant and X-Linked criteria (10/2015). Collection method: clinical testing. Allele origin: germline. Observed: 1 variant allele.